The following is an entry in ClinVar:

NM_015932.6(POMP):c.391C>T (p.His131Tyr)

Gene: POMP (proteasome maturation protein; plus strand). Cytogenetic location: 13q12.3.
Variant type: single nucleotide variant.
Coding change: c.391C>T on transcript NM_015932.6 (MANE Select); coding-DNA position 391, C replaced by T.
Protein change: p.His131Tyr; replaces histidine 131 with tyrosine.
Molecular consequence: missense variant.
Genome position (GRCh38, 1-based): chr13:28,678,067, C>T. VCF-style: chr13-28678067-C-T. GRCh37 (hg19) VCF-style: chr13-29252204-C-T.
Other names: short protein forms H131Y.
Identifiers: ClinVar variation 1462033 (VCV001462033.6), dbSNP rs552637733, ClinGen allele CA6931115.

ClinVar aggregate classification (germline): Uncertain significance (1 of 4 stars; one submission).

Allele frequency attached by ClinVar (database versions not stated): gnomAD exomes below 0.00001; ExAC 0.00001; gnomAD 0.00001; TOPMed 0.00001; 1000 Genomes Project 30x 0.00016; 1000 Genomes Project 0.00020.
gnomAD v4.1: 4 of 1,614,078 alleles (0.00025%); highest among the groups gnomAD compares: African/African-American, 0.0053%; no homozygotes.

Submission:

Labcorp Genetics (formerly Invitae), Labcorp
Classification: Uncertain significance. Last evaluated: 2024-11-27. Review status: criteria provided, single submitter. Criteria: Invitae Variant Classification Sherloc (09022015). Collection method: clinical testing. Allele origin: germline.
Comment: This sequence change replaces histidine, which is basic and polar, with tyrosine, which is neutral and polar, at codon 131 of the POMP protein (p.His131Tyr). This variant is present in population databases (rs552637733, gnomAD 0.007%). This variant has not been reported in the literature in individuals affected with POMP-related conditions. ClinVar contains an entry for this variant (Variation ID: 1462033). An algorithm developed to predict the effect of missense changes on protein structure and function (PolyPhen-2) suggests that this variant is likely to be disruptive. In summary, the available evidence is currently insufficient to determine the role of this variant in disease. Therefore, it has been classified as a Variant of Uncertain Significance.